The following is an entry in ClinVar:

ClinVar aggregate classification (germline): Conflicting classifications of pathogenicity. Review status: criteria provided, conflicting classifications (1 of 4 stars). 5 submissions from 5 submitters: Uncertain significance (1); Benign (2); Likely benign (1). 1 of the submissions does not count toward it. Last evaluated 2026-01-11.

Conditions:
CHMP1A-related disorder. Also called: CHMP1A-related condition.
Pontocerebellar hypoplasia type 8 (PCH8). Identifiers: Orphanet 324569, MedGen C3554209, MONDO:0013990, OMIM 614961.

Allele frequency attached by ClinVar (database versions not stated): ESP Exome Variant Server 0.00048; gnomAD 0.00109 and 0.00114; 1000 Genomes Project 0.00120; 1000 Genomes Project 30x 0.00141; TOPMed 0.00170.
gnomAD v4.1: 1,094 of 1,613,756 alleles (0.068%); highest among the groups gnomAD compares: Admixed American, 0.38%; 1 homozygote.

Submissions (5):

Labcorp Genetics (formerly Invitae), Labcorp
Classification: Benign. Last evaluated: 2026-01-11. Review status: criteria provided, single submitter. Criteria: Invitae Variant Classification Sherloc (09022015). Collection method: clinical testing. Allele origin: germline.

GeneDx
Classification: Likely benign. Last evaluated: 2021-06-26. Review status: criteria provided, single submitter. Criteria: GeneDx Variant Classification Process June 2021. Collection method: clinical testing. Allele origin: germline. Affected: yes.

Baylor Genetics
Classification: Uncertain significance for Pontocerebellar hypoplasia type 8. Last evaluated: 2018-02-13. Review status: criteria provided, single submitter. Criteria: ACMG Guidelines, 2015. Collection method: clinical testing. Allele origin: maternal. Affected: yes.
Comment: This variant was determined to be of uncertain significance according to ACMG Guidelines, 2015 [PMID:25741868].

Genetic Services Laboratory, University of Chicago
Classification: Benign for AllHighlyPenetrant. Last evaluated: 2013-12-04. Review status: criteria provided, single submitter. Criteria: ACMG Guidelines, 2007. Collection method: clinical testing. Allele origin: germline. Inheritance: Autosomal recessive inheritance.

PreventionGenetics, part of Exact Sciences
Classification: Likely benign for CHMP1A-related condition. Last evaluated: 2023-11-10. Review status: no assertion criteria provided. Collection method: clinical testing. Allele origin: germline. Not counted in ClinVar's aggregate classification.
Comment: This variant is classified as likely benign based on ACMG/AMP sequence variant interpretation guidelines (Richards et al. 2015 PMID: 25741868, with internal and published modifications).

NM_002768.5(CHMP1A):c.51G>A (p.Lys17=)

Gene: CHMP1A (charged multivesicular body protein 1A; minus strand). Cytogenetic location: 16q24.3.
Variant type: single nucleotide variant.
Coding change: c.51G>A on transcript NM_002768.5 (MANE Select); coding-DNA position 51, G replaced by A.
Protein change: p.Lys17=; no amino-acid change (lysine 17 retained).
Molecular consequence: synonymous variant. On other transcripts: missense variant (1), non-coding transcript variant (1).
Genome position (GRCh38, 1-based): chr16:89,651,623, C>T on the plus strand (G>A on the coding strand, the complement: CHMP1A is on the minus strand). VCF-style: chr16-89651623-C-T. GRCh37 (hg19) VCF-style: chr16-89718031-C-T.
Other names: c.31G>A, p.Ala11Thr (NM_001083314.4); c.31G>A (NM_001083314.3); short protein forms A11T.
Identifiers: ClinVar variation 128732 (VCV000128732.19), dbSNP rs187184327, ClinGen allele CA152369.